The following is an entry in ClinVar:

ClinVar aggregate classification (germline): Likely benign (1 of 4 stars; one submission).

Conditions:
Progressive sclerosing poliodystrophy (MTDPS4A). Also called: Alpers-Huttenlocher Syndrome (AHS); Alpers Syndrome; ALPERS PROGRESSIVE INFANTILE POLIODYSTROPHY; Mitochondrial DNA depletion syndrome 4A (Alpers type); ALPERS DIFFUSE DEGENERATION OF CEREBRAL GRAY MATTER WITH HEPATIC CIRRHOSIS; Alpers-Huttenlocher Syndrome. Identifiers: Orphanet 726, MedGen C0205710, MONDO:0008758, OMIM 203700.

Allele frequency attached by ClinVar (database versions not stated): ESP Exome Variant Server 0.00008; ExAC 0.00001; gnomAD exomes 0.00002 and 0.00004; gnomAD 0.00004 and 0.00005; TOPMed 0.00004.
gnomAD v4.1: 64 of 1,613,496 alleles (0.004%); highest among the groups gnomAD compares: Non-Finnish European, 0.0051%; no homozygotes.

Submission:

Wong Mito Lab, Molecular and Human Genetics, Baylor College of Medicine
Classification: Likely benign for Progressive sclerosing poliodystrophy. Last evaluated: 2018-10-01. Review status: criteria provided, single submitter. Criteria: ACMG Guidelines, 2015. Collection method: clinical testing. Allele origin: germline.
Comment: The NM_002693.2:c.3273+28A>C (NP_002684.1:p.=) [GRCH38: NC_000015.10:g.89318903T>G] variant in POLG gene is interpretated to be a Likely Benign based on ACMG guidelines (PMID: 25741868). This variant meets the following evidence codes reported in the ACMG-guideline. BP4:Computational evidence/predictors indicate no impact on the POLG structure, function, or protein-protein interaction. BP6:Reputable source(s) without shared data suggest the variant is benign. Based on the evidence criteria codes applied, the variant is suggested to be Likely Benign.

NM_002693.3(POLG):c.3273+28A>C

Gene: POLG (DNA polymerase gamma, catalytic subunit; minus strand). Cytogenetic location: 15q26.1.
Variant type: single nucleotide variant.
Coding change: c.3273+28A>C on transcript NM_002693.3 (MANE Select); 28 bases into the intron after coding-DNA position 3273, A replaced by C.
Molecular consequence: intron variant.
Genome position (GRCh38, 1-based): chr15:89,318,903, T>G on the plus strand (A>C on the coding strand, the complement: POLG is on the minus strand). VCF-style: chr15-89318903-T-G. GRCh37 (hg19) VCF-style: chr15-89862134-T-G.
Other names: c.3273+28A>C (NM_001126131.2).
Identifiers: ClinVar variation 619374 (VCV000619374.1), dbSNP rs371425871, ClinGen allele CA7724184.